The following is an entry in ClinVar:

ClinVar aggregate classification (germline): Uncertain significance (1 of 4 stars; one submission).

gnomAD v4.1: 2 of 1,613,960 alleles (0.00012%); highest among the groups gnomAD compares: South Asian, 0.0011%; no homozygotes.

Submission:

Ambry Genetics
Classification: Uncertain significance. Last evaluated: 2025-08-01. Review status: criteria provided, single submitter. Criteria: Ambry Variant Classification Scheme 2023. Collection method: clinical testing. Allele origin: germline.
Comment: The p.P565L variant (also known as c.1694C>T), located in coding exon 2 of the CDK12 gene, results from a C to T substitution at nucleotide position 1694. The proline at codon 565 is replaced by leucine, an amino acid with similar properties. This amino acid position is conserved. In addition, this alteration is predicted to be tolerated by in silico analysis. Based on the available evidence, the clinical significance of this variant remains unclear.

NM_016507.4(CDK12):c.1694C>T (p.Pro565Leu)

Gene: CDK12 (cyclin dependent kinase 12; plus strand). Cytogenetic location: 17q12.
Variant type: single nucleotide variant.
Coding change: c.1694C>T on transcript NM_016507.4 (MANE Select); coding-DNA position 1694, C replaced by T.
Protein change: p.Pro565Leu; replaces proline 565 with leucine.
Molecular consequence: missense variant.
Genome position (GRCh38, 1-based): chr17:39,471,526, C>T. VCF-style: chr17-39471526-C-T. GRCh37 (hg19) VCF-style: chr17-37627779-C-T.
Other names: c.1694C>T, p.Pro565Leu (NM_015083.4); short protein forms P565L.
Identifiers: ClinVar variation 4224329 (VCV004224329.1).
Genomic context (GRCh38, chr17:39,471,526, plus strand): 5'-CACCTCAGACACCCCCTTTGCCACCTTTGCCTCCAATACCAGCTCTTCCACAGCAACCAC[C>T]TCTGCCTCCTTCTCAGCCAGCATTTAGTCAGGTTCCTGCTTCCAGTACTTCAACTTTGCC-3'
Protein context (NP_057591.2, residues 555-575): PPIPALPQQP[Pro565Leu]LPPSQPAFSQ